The following is an entry in ClinVar:

NM_006059.4(LAMC3):c.455G>A (p.Arg152His)

Gene: LAMC3 (laminin subunit gamma 3; plus strand). Cytogenetic location: 9q34.12.
Variant type: single nucleotide variant.
Coding change: c.455G>A on transcript NM_006059.4 (MANE Select); coding-DNA position 455, G replaced by A.
Protein change: p.Arg152His; replaces arginine 152 with histidine.
Molecular consequence: missense variant.
Genome position (GRCh38, 1-based): chr9:131,026,366, G>A. VCF-style: chr9-131026366-G-A. GRCh37 (hg19) VCF-style: chr9-133901753-G-A.
Other names: short protein forms R152H.
Identifiers: ClinVar variation 1462203 (VCV001462203.6), dbSNP rs773185472, ClinGen allele CA5286694.
Genomic context (GRCh38, chr9:131,026,366, plus strand): 5'-ATGTGAGGCTGAAGTTCCACACCAGTCGCCCTGAGAGCTTTGCCATCTACAAGCGCAGCC[G>A]CGCCGACGGCCCATGGGAGCCCTACCAGTTCTACAGCGCCTCCTGCCAGAAGACCTACGG-3'
Protein context (NP_006050.3, residues 142-162): PESFAIYKRS[Arg152His]ADGPWEPYQF

ClinVar aggregate classification (germline): Uncertain significance (1 of 4 stars; one submission).

Allele frequency attached by ClinVar (database versions not stated): gnomAD 0.00001; TOPMed 0.00002; gnomAD exomes 0.00003 and 0.00004; ExAC 0.00007.
gnomAD v4.1: 52 of 1,614,034 alleles (0.0032%); highest among the groups gnomAD compares: South Asian, 0.019%; no homozygotes.

Submission:

Labcorp Genetics (formerly Invitae), Labcorp
Classification: Uncertain significance. Last evaluated: 2024-02-17. Review status: criteria provided, single submitter. Criteria: Invitae Variant Classification Sherloc (09022015). Collection method: clinical testing. Allele origin: germline.
Comment: This sequence change replaces arginine, which is basic and polar, with histidine, which is basic and polar, at codon 152 of the LAMC3 protein (p.Arg152His). This variant is present in population databases (rs773185472, gnomAD 0.03%). This variant has not been reported in the literature in individuals affected with LAMC3-related conditions. ClinVar contains an entry for this variant (Variation ID: 1462203). Algorithms developed to predict the effect of missense changes on protein structure and function output the following: SIFT: "Not Available"; PolyPhen-2: "Benign"; Align-GVGD: "Not Available". The histidine amino acid residue is found in multiple mammalian species, which suggests that this missense change does not adversely affect protein function. In summary, the available evidence is currently insufficient to determine the role of this variant in disease. Therefore, it has been classified as a Variant of Uncertain Significance.